The following is an entry in ClinVar:

ClinVar aggregate classification (germline): Uncertain significance. Review status: criteria provided, multiple submitters, no conflicts (2 of 4 stars). 3 submissions from 3 submitters: Uncertain significance (3). Last evaluated 2025-03-26.

Conditions:
Inborn genetic diseases. Identifiers: MedGen C0950123, MeSH D030342.
Hennekam lymphangiectasia-lymphedema syndrome 2 (HKLLS2). Identifiers: Orphanet 2136, MedGen C4014939, MONDO:0014454, OMIM 616006.

Allele frequency attached by ClinVar (database versions not stated): ESP Exome Variant Server 0.00008; gnomAD exomes below 0.00001 and 0.00001; gnomAD 0.00005 and 0.00004; TOPMed 0.00007.
gnomAD v4.1: 14 of 1,613,930 alleles (0.00087%); highest among the groups gnomAD compares: African/African-American, 0.013%; no homozygotes.

Submissions (3):

Clinical Genomics Laboratory, Washington University in St. Louis
Classification: Uncertain significance for Hennekam lymphangiectasia-lymphedema syndrome 2. Last evaluated: 2025-03-26. Review status: criteria provided, single submitter. Criteria: ACMG Guidelines, 2015. Collection method: clinical testing. Allele origin: germline.
Comment: A FAT4 c.6086C>T (p.Ser2029Phe) variant was identified at a near heterozygous allelic fraction of 49.4%, a frequency which may be consistent with it being of germline origin. To our knowledge, it has not been reported in the medical literature. This variant has been reported in the ClinVar database as a germline variant of uncertain significance by two submitters (ClinVar Variation ID: 1492080). The FAT4 c.6086C>T (p.Ser2029Phe) variant is only observed on 14/1,613,930 alleles in the general population (gnomAD v4.1.0), indicating it is not a common variant. Computational predictors suggest that the variant does not impact FAT4 function. Due to limited information, and based on ACMG/AMP guidelines for variant interpretation (Richards S et al., PMID: 25741868), the clinical significance of this variant is uncertain at this time.

Labcorp Genetics (formerly Invitae), Labcorp
Classification: Uncertain significance. Last evaluated: 2021-09-24. Review status: criteria provided, single submitter. Criteria: Invitae Variant Classification Sherloc (09022015). Collection method: clinical testing. Allele origin: germline.
Comment: This sequence change replaces serine with phenylalanine at codon 2029 of the FAT4 protein (p.Ser2029Phe). The serine residue is highly conserved and there is a large physicochemical difference between serine and phenylalanine. This variant is not present in population databases (ExAC no frequency). This variant has not been reported in the literature in individuals with FAT4-related conditions. Advanced modeling of protein sequence and biophysical properties (such as structural, functional, and spatial information, amino acid conservation, physicochemical variation, residue mobility, and thermodynamic stability) performed at Invitae indicates that this missense variant is not expected to disrupt FAT4 protein function. In summary, the available evidence is currently insufficient to determine the role of this variant in disease. Therefore, it has been classified as a Variant of Uncertain Significance.

Ambry Genetics
Classification: Uncertain significance for Inborn genetic diseases. Last evaluated: 2021-06-18. Review status: criteria provided, single submitter. Criteria: Ambry Variant Classification Scheme 2023. Collection method: clinical testing. Allele origin: germline.

NM_001291303.3(FAT4):c.6086C>T (p.Ser2029Phe)

Gene: FAT4 (FAT atypical cadherin 4; plus strand). Cytogenetic location: 4q28.1.
Variant type: single nucleotide variant.
Coding change: c.6086C>T on transcript NM_001291303.3 (MANE Select); coding-DNA position 6086, C replaced by T.
Protein change: p.Ser2029Phe; replaces serine 2029 with phenylalanine.
Molecular consequence: missense variant.
Genome position (GRCh38, 1-based): chr4:125,415,049, C>T. VCF-style: chr4-125415049-C-T. GRCh37 (hg19) VCF-style: chr4-126336204-C-T.
Other names: c.6086C>T, p.Ser2029Phe (NM_001291285.3, NM_024582.6); c.6086C>T (NM_024582.4); short protein forms S2029F.
Identifiers: ClinVar variation 1492080 (VCV001492080.7), dbSNP rs145573597, ClinGen allele CA104853769.
Genomic context (GRCh38, chr4:125,415,049, plus strand): 5'-AAAGTCAGTCCTTCTACAACTTGGTTGTTCAAGTGCATGACCTGCCACAGATTCCAGCCT[C>T]CAGATTCACAAGCACTGCTCAAGTCTCCATTATTTTGTTGGATGTAAATGATAACCCACC-3'
Protein context (NP_001278232.1, residues 2019-2039): QVHDLPQIPA[Ser2029Phe]RFTSTAQVSI